The following is an entry in ClinVar:

ClinVar aggregate classification (germline): Uncertain significance (1 of 4 stars; one submission).

Conditions:
Paget disease of bone 2, early-onset (PDB2). Also called: Paget disease of bone 2. Identifiers: MedGen C4085251, MONDO:0011183, OMIM 602080.
Frontotemporal dementia and/or amyotrophic lateral sclerosis 1 (FTDALS1). Also called: Frontotemporal dementia with motor neuron disease 1; C9orf72 Frontotemporal Dementia and/or Amyotrophic Lateral Sclerosis. Identifiers: Orphanet 275872, MedGen C5779877, MONDO:0007105, OMIM 105550.

gnomAD v4.1: 1 of 1,613,810 alleles (0.000062%); highest among the groups gnomAD compares: Non-Finnish European, 0.000085%; no homozygotes.

Submission:

Labcorp Genetics (formerly Invitae), Labcorp
Classification: Uncertain significance for Paget disease of bone 2, early-onset; Frontotemporal dementia and/or amyotrophic lateral sclerosis 1. Last evaluated: 2025-12-15. Review status: criteria provided, single submitter. Criteria: Invitae Variant Classification Sherloc (09022015). Collection method: clinical testing. Allele origin: germline.
Comment: This sequence change replaces proline, which is neutral and non-polar, with threonine, which is neutral and polar, at codon 208 of the SQSTM1 protein (p.Pro208Thr). This variant is not present in population databases (gnomAD no frequency). This variant has not been reported in the literature in individuals affected with SQSTM1-related conditions. ClinVar contains an entry for this variant (Variation ID: 1461746). Invitae Evidence Modeling of protein sequence and biophysical properties (such as structural, functional, and spatial information, amino acid conservation, physicochemical variation, residue mobility, and thermodynamic stability) indicates that this missense variant is not expected to disrupt SQSTM1 protein function with a negative predictive value of 80%. In summary, the available evidence is currently insufficient to determine the role of this variant in disease. Therefore, it has been classified as a Variant of Uncertain Significance.

NM_003900.5(SQSTM1):c.622C>A (p.Pro208Thr)

Gene: SQSTM1 (sequestosome 1; plus strand). Cytogenetic location: 5q35.3.
Variant type: single nucleotide variant.
Coding change: c.622C>A on transcript NM_003900.5 (MANE Select); coding-DNA position 622, C replaced by A.
Protein change: p.Pro208Thr; replaces proline 208 with threonine.
Molecular consequence: missense variant.
Genome position (GRCh38, 1-based): chr5:179,824,272, C>A. VCF-style: chr5-179824272-C-A. GRCh37 (hg19) VCF-style: chr5-179251272-C-A.
Other names: c.370C>A, p.Pro124Thr (NM_001142298.2, NM_001142299.2); short protein forms P124T, P208T.
Identifiers: ClinVar variation 1461746 (VCV001461746.8), dbSNP rs1256909021, ClinGen allele CA362445856.